The following is an entry in ClinVar:

ClinVar aggregate classification (germline): Uncertain significance (1 of 4 stars; one submission).

Submission:

Labcorp Genetics (formerly Invitae), Labcorp
Classification: Uncertain significance. Last evaluated: 2022-07-11. Review status: criteria provided, single submitter. Criteria: Invitae Variant Classification Sherloc (09022015). Collection method: clinical testing. Allele origin: germline.
Comment: Algorithms developed to predict the effect of missense changes on protein structure and function are either unavailable or do not agree on the potential impact of this missense change (SIFT: "Deleterious"; PolyPhen-2: "Possibly Damaging"; Align-GVGD: "Class C0"). This sequence change replaces glutamic acid, which is acidic and polar, with glycine, which is neutral and non-polar, at codon 1295 of the ANKRD26 protein (p.Glu1295Gly). This variant is not present in population databases (gnomAD no frequency). This variant has not been reported in the literature in individuals affected with ANKRD26-related conditions. In summary, the available evidence is currently insufficient to determine the role of this variant in disease. Therefore, it has been classified as a Variant of Uncertain Significance.

NM_014915.3(ANKRD26):c.3884A>G (p.Glu1295Gly)

Gene: ANKRD26 (ankyrin repeat domain 26; minus strand). Cytogenetic location: 10p12.1.
Variant type: single nucleotide variant.
Coding change: c.3884A>G on transcript NM_014915.3 (MANE Select); coding-DNA position 3884, A replaced by G.
Protein change: p.Glu1295Gly; replaces glutamic acid 1295 with glycine.
Molecular consequence: missense variant.
Genome position (GRCh38, 1-based): chr10:27,028,940, T>C on the plus strand (A>G on the coding strand, the complement: ANKRD26 is on the minus strand). VCF-style: chr10-27028940-T-C. GRCh37 (hg19) VCF-style: chr10-27317869-T-C.
Other names: c.3881A>G, p.Glu1294Gly (NM_001256053.2); short protein forms E1294G, E1295G.
Identifiers: ClinVar variation 1932889 (VCV001932889.5), dbSNP rs2538694743, ClinGen allele CA376360370.